The following is an entry in ClinVar:

ClinVar aggregate classification (germline): Benign/Likely benign. Review status: criteria provided, multiple submitters, no conflicts (2 of 4 stars). 6 submissions from 6 submitters: Benign (5); Likely benign (1). Last evaluated 2026-02-04.

Allele frequency attached by ClinVar (database versions not stated): 1000 Genomes Project 0.09685; 1000 Genomes Project 30x 0.09697; ESP Exome Variant Server 0.11227.
gnomAD v4.1: 151,238 of 1,613,798 alleles (9.4%); highest among the groups gnomAD compares: East Asian, 14%; 7,801 homozygotes.

Submissions (6):

Labcorp Genetics (formerly Invitae), Labcorp
Classification: Benign. Last evaluated: 2026-02-04. Review status: criteria provided, single submitter. Criteria: Invitae Variant Classification Sherloc (09022015). Collection method: clinical testing. Allele origin: germline.

Mayo Clinic Laboratories, Mayo Clinic
Classification: Benign. Last evaluated: 2025-09-16. Review status: criteria provided, single submitter. Criteria: ACMG Guidelines, 2015. Collection method: clinical testing. Allele origin: germline. Observed: 17 variant alleles.
Comment: BA1, BP4_moderate

ARUP Laboratories, Molecular Genetics and Genomics, ARUP Laboratories
Classification: Benign. Last evaluated: 2025-07-30. Review status: criteria provided, single submitter. Criteria: ARUP Molecular Germline Variant Investigation Process 2024. Collection method: clinical testing. Allele origin: germline.

Blueprint Genetics
Classification: Likely benign. Last evaluated: 2024-11-27. Review status: criteria provided, single submitter. Criteria: ACMG Guidelines, 2015. Collection method: clinical testing. Allele origin: germline.

GeneDx
Classification: Benign. Last evaluated: 2019-06-15. Review status: criteria provided, single submitter. Criteria: GeneDx Variant Classification Process June 2021. Collection method: clinical testing. Allele origin: germline. Affected: yes.

Breakthrough Genomics
Classification: Benign. Review status: criteria provided, single submitter. Criteria: ACMG Guidelines, 2015. Collection method: not provided. Allele origin: germline. Inheritance: Autosomal recessive inheritance. Affected: yes.

NM_017654.4(SAMD9):c.1645G>T (p.Val549Leu)

Gene: SAMD9 (sterile alpha motif domain containing 9; minus strand). Cytogenetic location: 7q21.2.
Variant type: single nucleotide variant.
Coding change: c.1645G>T on transcript NM_017654.4 (MANE Select); coding-DNA position 1645, G replaced by T.
Protein change: p.Val549Leu; replaces valine 549 with leucine.
Molecular consequence: missense variant.
Genome position (GRCh38, 1-based): chr7:93,104,453, C>A on the plus strand (G>T on the coding strand, the complement: SAMD9 is on the minus strand). VCF-style: chr7-93104453-C-A. GRCh37 (hg19) VCF-style: chr7-92733766-C-A.
Other names: p.Val549Leu; c.1645G>T, p.Val549Leu (NM_001193307.2); short protein forms V549L.
Identifiers: ClinVar variation 1166063 (VCV001166063.24), dbSNP rs10279499, ClinGen allele CA4342948.
Genomic context (GRCh38, chr7:93,104,453, plus strand): 5'-CTTTGAGATCCTGGTAGAAAGCACAGAAAGTCTCAATGAGGGGATCTCTTGGGTCATCCA[C>A]AGAGGACAGTAATAGAAATACCACCAAAAACTTCCCTCTTGGCATTATGTCTTCATGTGT-3'
Protein context (NP_060124.2, residues 539-559): FLVVFLLLSS[Val549Leu]DDPRDPLIET